The following is an entry in ClinVar:

NM_000298.6(PKLR):c.1117-29A>G

Gene: PKLR (pyruvate kinase L/R; minus strand). Cytogenetic location: 1q22.
Variant type: single nucleotide variant.
Coding change: c.1117-29A>G on transcript NM_000298.6 (MANE Select); 29 bases into the intron before coding-DNA position 1117, A replaced by G.
Molecular consequence: intron variant.
Genome position (GRCh38, 1-based): chr1:155,293,619, T>C on the plus strand (A>G on the coding strand, the complement: PKLR is on the minus strand). VCF-style: chr1-155293619-T-C. GRCh37 (hg19) VCF-style: chr1-155263410-T-C.
Other names: p.?; c.1024-29A>G (NM_181871.4).
Identifiers: ClinVar variation 4683496 (VCV004683496.1).
Genomic context (GRCh38, chr1:155,293,619, plus strand): 5'-GGCCGGGGCTTGGTAATCATGCTCTCCAGCATCTGGGGGACAGCGTGGATGTCAAAGTTG[T>C]AGGACTCACACTGTGACTGGGGACCCTGCCCAAGCTACTTCTCTGACACCCACACTCTCA-3'

ClinVar aggregate classification (germline): Likely benign (1 of 4 stars; one submission).

gnomAD v4.1: 2,286 of 1,612,942 alleles (0.14%); highest among the groups gnomAD compares: Non-Finnish European, 0.18%; 4 homozygotes.

Submission:

Mayo Clinic Laboratories, Mayo Clinic
Classification: Likely benign. Last evaluated: 2024-08-08. Review status: criteria provided, single submitter. Criteria: ACMG Guidelines, 2015. Collection method: clinical testing. Allele origin: germline. Observed: 7 variant alleles.
Comment: BP4, BP7